The following is an entry in ClinVar:

NM_000321.3(RB1):c.562G>A (p.Ala188Thr)

Gene: RB1 (RB transcriptional corepressor 1; plus strand). Cytogenetic location: 13q14.2.
Variant type: single nucleotide variant.
Coding change: c.562G>A on transcript NM_000321.3 (MANE Select); coding-DNA position 562, G replaced by A.
Protein change: p.Ala188Thr; replaces alanine 188 with threonine.
Molecular consequence: missense variant.
Genome position (GRCh38, 1-based): chr13:48,348,978, G>A. VCF-style: chr13-48348978-G-A. GRCh37 (hg19) VCF-style: chr13-48923114-G-A.
Other names: short protein forms A188T.
Identifiers: ClinVar variation 571115 (VCV000571115.12), dbSNP rs1189153218, ClinGen allele CA388156923.
Genomic context (GRCh38, chr13:48,348,978, plus strand): 5'-TTTTCCTGTTTTTTTTCTGCTTTCTATTTGTTTAATAGGATATCTACTGAAATAAATTCT[G>A]CATTGGTGCTAAAAGTTTCTTGGATCACATTTTTATTAGCTAAAGGTAAGTTCATTATAT-3'
Protein context (NP_000312.2, residues 178-198): SSSISTEINS[Ala188Thr]LVLKVSWITF

ClinVar aggregate classification (germline): Conflicting classifications of pathogenicity. Review status: criteria provided, conflicting classifications (1 of 4 stars). 2 submissions from 2 submitters: Uncertain significance (1); Likely benign (1). Last evaluated 2024-04-09.

Conditions:
Retinoblastoma (RB1). Also called: RETINOBLASTOMA, SOMATIC. Identifiers: Orphanet 790, MedGen C0035335, MeSH D012175, MONDO:0008380, OMIM 180200, HP:0009919. Disease mechanism: loss of function. Inheritance: Both sporadic and heritable forms are tested..
Hereditary cancer-predisposing syndrome. Also called: Hereditary neoplastic syndrome; Tumor predisposition; Neoplastic Syndromes, Hereditary; Hereditary Cancer Syndrome. Identifiers: Orphanet 140162, MedGen C0027672, MeSH D009386, MONDO:0015356.

Allele frequency attached by ClinVar (database versions not stated): gnomAD exomes below 0.00001.
gnomAD v4.1: 1 of 1,601,124 alleles (0.000062%); highest among the groups gnomAD compares: Admixed American, 0.0017%; no homozygotes.

Submissions (2):

Labcorp Genetics (formerly Invitae), Labcorp
Classification: Uncertain significance for Retinoblastoma. Last evaluated: 2024-04-09. Review status: criteria provided, single submitter. Criteria: Invitae Variant Classification Sherloc (09022015). Collection method: clinical testing. Allele origin: germline.
Comment: This sequence change replaces alanine, which is neutral and non-polar, with threonine, which is neutral and polar, at codon 188 of the RB1 protein (p.Ala188Thr). This variant is present in population databases (no rsID available, gnomAD 0.003%). This variant has not been reported in the literature in individuals affected with RB1-related conditions. ClinVar contains an entry for this variant (Variation ID: 571115). Advanced modeling of protein sequence and biophysical properties (such as structural, functional, and spatial information, amino acid conservation, physicochemical variation, residue mobility, and thermodynamic stability) performed at Invitae indicates that this missense variant is not expected to disrupt RB1 protein function with a negative predictive value of 80%. In summary, the available evidence is currently insufficient to determine the role of this variant in disease. Therefore, it has been classified as a Variant of Uncertain Significance.

Ambry Genetics
Classification: Likely benign for Hereditary cancer-predisposing syndrome. Last evaluated: 2024-02-26. Review status: criteria provided, single submitter. Criteria: Ambry Variant Classification Scheme 2023. Collection method: clinical testing. Allele origin: germline.